The following is an entry in ClinVar:

NC_000022.11:g.40345764G>A

Gene: ADSL (adenylosuccinate lyase; plus strand). Cytogenetic location: 22q13.1.
Variant type: single nucleotide variant.
Genome position: GRCh38 VCF-style: chr22-40345764-G-A. GRCh37 (hg19) VCF-style: chr22-40741768-G-A.
Identifiers: ClinVar variation 1516309 (VCV001516309.3), dbSNP rs2044113487, ClinGen allele CA1025767079.

ClinVar aggregate classification (germline): Uncertain significance (1 of 4 stars; one submission).

Conditions:
Adenylosuccinate lyase deficiency (ADSLD). Also called: ADSL DEFICIENCY. Identifiers: Orphanet 46, MedGen C0268126, MONDO:0007068, OMIM 103050.

Allele frequency attached by ClinVar (database versions not stated): gnomAD 0.00001; TOPMed 0.00001.

Submission:

Labcorp Genetics (formerly Invitae), Labcorp
Classification: Uncertain significance for Adenylosuccinate lyase deficiency. Last evaluated: 2021-06-18. Review status: criteria provided, single submitter. Criteria: Invitae Variant Classification Sherloc (09022015). Collection method: clinical testing. Allele origin: germline.
Comment: This variant occurs in a non-coding region of the ADSL gene. It does not change the encoded amino acid sequence of the ADSL protein. The frequency data for this variant in the population databases is considered unreliable, as metrics indicate insufficient coverage at this position in the ExAC database. This variant has not been reported in the literature in individuals with ADSL-related conditions. Experimental studies and prediction algorithms are not available or were not evaluated, and the functional significance of this variant is currently unknown. In summary, the available evidence is currently insufficient to determine the role of this variant in disease. Therefore, it has been classified as a Variant of Uncertain Significance.